The following is an entry in ClinVar:

NM_018122.5(DARS2):c.664-17_664-14del

Gene: DARS2 (aspartyl-tRNA synthetase 2, mitochondrial; plus strand). Cytogenetic location: 1q25.1.
Variant type: Deletion.
Coding change: c.664-17_664-14del on transcript NM_018122.5 (MANE Select); 17 bases into the intron before coding-DNA position 664 through 14 bases into the intron before coding-DNA position 664, 4 bases deleted (TTCT; older notation c.664-17_664-14delTTCT).
Molecular consequence: intron variant.
Genome position (GRCh38, 1-based): chr1:173,836,923-173,836,926, TTCT deleted; deleting any 4 consecutive bases within chr1:173,836,920-173,836,926 gives the same sequence; the c. name uses the placement nearest the transcript's 3' end. VCF-style (leftmost placement, unchanged base first): chr1-173836919-CTCTT-C. GRCh37 (hg19) VCF-style: chr1-173806057-CTCTT-C.
Other names: NC_000001.10:g.173806061_173806064del; c.664-17_664-14del (NM_001365212.1, NM_001365213.2); c.664-17_664-14delTTCT (NM_018122.4).
Identifiers: ClinVar variation 422381 (VCV000422381.7), dbSNP rs563212168, ClinGen allele CA1250209.

ClinVar aggregate classification (germline): Likely benign. Review status: criteria provided, multiple submitters, no conflicts (2 of 4 stars). 3 submissions from 3 submitters: Likely benign (3). Last evaluated 2025-06-23.

Conditions:
Leukoencephalopathy with brain stem and spinal cord involvement-high lactate syndrome (LBSL). Also called: LEUKOENCEPHALOPATHY WITH BRAINSTEM AND SPINAL CORD INVOLVEMENT AND LACTATE ELEVATION, MILD; MITOCHONDRIAL ASPARTYL-tRNA SYNTHETASE DEFICIENCY; Leukoencephalopathy with Brainstem and Spinal Cord Involvement and Lactate Elevation. Identifiers: Orphanet 137898, MedGen C1970180, MONDO:0012622, OMIM 611105.

Submissions (5):

Labcorp Genetics (formerly Invitae), Labcorp
Classification: Likely benign. Last evaluated: 2025-06-23. Review status: criteria provided, single submitter. Criteria: Invitae Variant Classification Sherloc (09022015). Collection method: clinical testing. Allele origin: germline.

Genome-Nilou Lab
Classification: Likely benign for Leukoencephalopathy with brain stem and spinal cord involvement-high lactate syndrome. Last evaluated: 2023-04-11. Review status: criteria provided, single submitter. Criteria: ACMG Guidelines, 2015. Collection method: clinical testing. Allele origin: germline. Affected: no.

GeneDx
Classification: Likely benign. Last evaluated: 2016-10-14. Review status: criteria provided, single submitter. Criteria: GeneDx Variant Classification (06012015). Collection method: clinical testing. Allele origin: germline. Affected: yes.
Comment: This variant is considered likely benign or benign based on one or more of the following criteria: it is a conservative change, it occurs at a poorly conserved position in the protein, it is predicted to be benign by multiple in silico algorithms, and/or has population frequency not consistent with disease.

Dr. Peter K. Rogan Lab, Western University
No classification provided (evidence only). Condition: Familial cancer of breast. Review status: no classification provided. Collection method: in vitro. Allele origin: not applicable. Functional consequence: retained intron. Not counted in ClinVar's aggregate classification.

Dr. Peter K. Rogan Lab, Western University
No classification provided (evidence only). Condition: Colon adenocarcinoma. Review status: no classification provided. Collection method: in vitro. Allele origin: not applicable. Functional consequence: skipped exon, retained intron. Not counted in ClinVar's aggregate classification.